The following is an entry in ClinVar:

ClinVar aggregate classification (germline): Uncertain significance (1 of 4 stars; one submission).

gnomAD v4.1: 1 of 1,614,022 alleles (0.000062%); highest among the groups gnomAD compares: South Asian, 0.0011%; no homozygotes.

Submission:

GeneDx
Classification: Uncertain significance. Last evaluated: 2024-07-15. Review status: criteria provided, single submitter. Criteria: GeneDx Variant Classification Process June 2021. Collection method: clinical testing. Allele origin: germline. Affected: yes.
Comment: Not observed at significant frequency in large population cohorts (gnomAD); In silico analysis supports that this missense variant has a deleterious effect on protein structure/function; Has not been previously published as pathogenic or benign to our knowledge

NM_023110.3(FGFR1):c.2390C>T (p.Ser797Phe)

Gene: FGFR1 (fibroblast growth factor receptor 1; minus strand). Cytogenetic location: 8p11.23.
Variant type: single nucleotide variant.
Coding change: c.2390C>T on transcript NM_023110.3 (MANE Select); coding-DNA position 2390, C replaced by T.
Protein change: p.Ser797Phe; replaces serine 797 with phenylalanine.
Molecular consequence: missense variant. On other transcripts: intron variant (3).
Genome position (GRCh38, 1-based): chr8:38,413,707, G>A on the plus strand (C>T on the coding strand, the complement: FGFR1 is on the minus strand). VCF-style: chr8-38413707-G-A. GRCh37 (hg19) VCF-style: chr8-38271225-G-A.
Other names: c.2384C>T, p.Ser795Phe (NM_001174063.2, NM_001174065.2, NM_015850.4); c.2360C>T, p.Ser787Phe (NM_001174064.2); c.2123C>T, p.Ser708Phe (NM_001174066.2, NM_023105.3); c.2483C>T, p.Ser828Phe (NM_001174067.2); c.2111C>T, p.Ser704Phe (NM_001354368.2); c.2117C>T, p.Ser706Phe (NM_023106.3); c.2019+211C>T (NM_001354370.2); c.2286+211C>T (NM_001354367.2); and 1 more; short protein forms S704F, S706F, S708F, S787F, S795F, S797F, S828F.
Identifiers: ClinVar variation 1314855 (VCV001314855.3), dbSNP rs2150507302, ClinGen allele CA370726852.